The following is an entry in ClinVar:

NM_006939.4(SOS2):c.2018A>G (p.Lys673Arg)

Gene: SOS2 (SOS Ras/Rho guanine nucleotide exchange factor 2; minus strand). Cytogenetic location: 14q21.3.
Variant type: single nucleotide variant.
Coding change: c.2018A>G on transcript NM_006939.4 (MANE Select); coding-DNA position 2018, A replaced by G.
Protein change: p.Lys673Arg; replaces lysine 673 with arginine.
Molecular consequence: missense variant.
Genome position (GRCh38, 1-based): chr14:50,157,038, T>C on the plus strand (A>G on the coding strand, the complement: SOS2 is on the minus strand). VCF-style: chr14-50157038-T-C. GRCh37 (hg19) VCF-style: chr14-50623756-T-C.
Other names: c.1919A>G, p.Lys640Arg (NM_001411020.1); short protein forms K640R, K673R.
Identifiers: ClinVar variation 3720776 (VCV003720776.2).

ClinVar aggregate classification (germline): Uncertain significance (1 of 4 stars; one submission).

Conditions:
Noonan syndrome 9 (NS9). Identifiers: Orphanet 648, MedGen C4225282, MONDO:0014691, OMIM 616559.

Submission:

Labcorp Genetics (formerly Invitae), Labcorp
Classification: Uncertain significance for Noonan syndrome 9. Last evaluated: 2025-01-06. Review status: criteria provided, single submitter. Criteria: Invitae Variant Classification Sherloc (09022015). Collection method: clinical testing. Allele origin: germline.
Comment: This sequence change replaces lysine, which is basic and polar, with arginine, which is basic and polar, at codon 673 of the SOS2 protein (p.Lys673Arg). This variant is not present in population databases (gnomAD no frequency). This variant has not been reported in the literature in individuals affected with SOS2-related conditions. Invitae Evidence Modeling of protein sequence and biophysical properties (such as structural, functional, and spatial information, amino acid conservation, physicochemical variation, residue mobility, and thermodynamic stability) indicates that this missense variant is not expected to disrupt SOS2 protein function with a negative predictive value of 95%. In summary, the available evidence is currently insufficient to determine the role of this variant in disease. Therefore, it has been classified as a Variant of Uncertain Significance.